The following is an entry in ClinVar:

ClinVar aggregate classification (germline): Pathogenic (1 of 4 stars; one submission).

Submission:

Labcorp Genetics (formerly Invitae), Labcorp
Classification: Pathogenic. Last evaluated: 2023-11-05. Review status: criteria provided, single submitter. Criteria: Invitae Variant Classification Sherloc (09022015). Collection method: clinical testing. Allele origin: germline.
Comment: This sequence change creates a premature translational stop signal (p.Phe1495Leufs*52) in the DUOX2 gene. While this is not anticipated to result in nonsense mediated decay, it is expected to disrupt the last 54 amino acid(s) of the DUOX2 protein. This variant is not present in population databases (gnomAD no frequency). This variant has not been reported in the literature in individuals affected with DUOX2-related conditions. This variant disrupts a region of the DUOX2 protein in which other variant(s) (p.Gly1518Ser) have been determined to be pathogenic (PMID: 20187165; 31030636)). This suggests that this is a clinically significant region of the protein, and that variants that disrupt it are likely to be disease-causing. For these reasons, this variant has been classified as Pathogenic.

Literature cited by the submitters: PubMed 20187165; PubMed 31030636.

NM_001363711.2(DUOX2):c.4482dup (p.Phe1495fs)

Gene: DUOX2 (dual oxidase 2; minus strand). Cytogenetic location: 15q21.1.
Variant type: Duplication.
Coding change: c.4482dup on transcript NM_001363711.2 (MANE Select); coding-DNA position 4482, one base duplicated (C; older notation c.4482dupC).
Protein change: p.Phe1495fs; shifts the reading frame from phenylalanine 1495.
Molecular consequence: frameshift variant.
Genome position (GRCh38, 1-based): chr15:45,094,605, G duplicated on the plus strand (C on the coding strand, the reverse complement: DUOX2 is on the minus strand); the first of 6 consecutive G bases (chr15:45,094,605-45,094,610); duplicating any one gives the same sequence. VCF-style (leftmost placement, unchanged base first): chr15-45094604-A-AG. GRCh37 (hg19) VCF-style: chr15-45386802-A-AG.
Other names: c.4482dup, p.Phe1495fs (NM_014080.5); short protein forms F1495fs.
Identifiers: ClinVar variation 2769469 (VCV002769469.3), dbSNP rs2504736239, ClinGen allele CA2697554423.